The following is an entry in ClinVar:

NM_005445.4(SMC3):c.3488A>G (p.Glu1163Gly)

Gene: SMC3 (structural maintenance of chromosomes 3; plus strand). Cytogenetic location: 10q25.2.
Variant type: single nucleotide variant.
Coding change: c.3488A>G on transcript NM_005445.4 (MANE Select); coding-DNA position 3488, A replaced by G.
Protein change: p.Glu1163Gly; replaces glutamic acid 1163 with glycine.
Molecular consequence: missense variant.
Genome position (GRCh38, 1-based): chr10:110,603,196, A>G. VCF-style: chr10-110603196-A-G. GRCh37 (hg19) VCF-style: chr10-112362954-A-G.
Other names: short protein forms E1163G.
Identifiers: ClinVar variation 841624 (VCV000841624.2), dbSNP rs1861413861, ClinGen allele CA378395389.

ClinVar aggregate classification (germline): Uncertain significance. Review status: criteria provided, multiple submitters, no conflicts (2 of 4 stars). 2 submissions from 2 submitters: Uncertain significance (2). Last evaluated 2025-10-23.

Conditions:
Cornelia de Lange syndrome 3 (CDLS3). Also called: CORNELIA DE LANGE SYNDROME 3 WITH OR WITHOUT MIDLINE BRAIN DEFECTS; SMC3-Related Cornelia de Lange Syndrome. Identifiers: Orphanet 199, MedGen C1853099, MONDO:0012555, OMIM 610759.

Submissions (2):

3billion
Classification: Uncertain significance for Cornelia de Lange syndrome 3. Last evaluated: 2025-10-23. Review status: criteria provided, single submitter. Criteria: ACMG Guidelines, 2015. Collection method: clinical testing. Allele origin: germline. Affected: yes.
Comment: The variant is not observed in the gnomAD v4.1.0 dataset. Predicted Consequence/Location: Missense variant. Missense changes are a common disease-causing mechanism. In silico tool predictions suggest damaging effect of the variant on gene or gene product [REVEL: 0.82 (>=0.6, sensitivity 0.68 and specificity 0.92); 3Cnet: 0.95 (> 0.75, sensitivity 0.96 and precision 0.92)]. The variant has been reported as of uncertain significance (ClinVar ID: VCV000841624). Therefore, this variant is classified as VUS according to the recommendation of ACMG/AMP guideline.

Labcorp Genetics (formerly Invitae), Labcorp
Classification: Uncertain significance for Cornelia de Lange syndrome 3. Last evaluated: 2019-11-27. Review status: criteria provided, single submitter. Criteria: Invitae Variant Classification Sherloc (09022015). Collection method: clinical testing. Allele origin: germline.
Comment: This sequence change replaces glutamic acid with glycine at codon 1163 of the SMC3 protein (p.Glu1163Gly). The glutamic acid residue is highly conserved and there is a moderate physicochemical difference between glutamic acid and glycine. This variant is not present in population databases (ExAC no frequency). This variant has not been reported in the literature in individuals with SMC3-related conditions. Algorithms developed to predict the effect of missense changes on protein structure and function are either unavailable or do not agree on the potential impact of this missense change (SIFT: "Tolerated"; PolyPhen-2: "Possibly Damaging"; Align-GVGD: "Class C0"). In summary, the available evidence is currently insufficient to determine the role of this variant in disease. Therefore, it has been classified as a Variant of Uncertain Significance.